The following is an entry in ClinVar:

NM_000094.4(COL7A1):c.5532+1G>A

Gene: COL7A1 (collagen type VII alpha 1 chain; minus strand). Cytogenetic location: 3p21.31.
Variant type: single nucleotide variant.
Coding change: c.5532+1G>A on transcript NM_000094.4 (MANE Select); the canonical splice donor site of the intron after coding-DNA position 5532, G replaced by A.
Molecular consequence: splice donor variant.
Genome position (GRCh38, 1-based): chr3:48,578,320, C>T on the plus strand (G>A on the coding strand, the complement: COL7A1 is on the minus strand). VCF-style: chr3-48578320-C-T. GRCh37 (hg19) VCF-style: chr3-48615753-C-T.
Other names: IVS64+1G>A; IVS64DS, G-A, +1.
Identifiers: ClinVar variation 488825 (VCV000488825.14), dbSNP rs767182886, ClinGen allele CA2379463.

ClinVar aggregate classification (germline): Pathogenic/Likely pathogenic. Review status: criteria provided, multiple submitters, no conflicts (2 of 4 stars). 7 submissions from 7 submitters: Pathogenic (3); Likely pathogenic (3). 1 of the submissions does not count toward it. Last evaluated 2026-03-10.

Conditions:
COL7A1-related disorder. Also called: COL7A1- related disorders; COL7A1-related condition.
Generalized dominant dystrophic epidermolysis bullosa (DDEB). Also called: Dominant DEB (DDEB); DDEB-gen; DDEB, generalized; DYSTROPHIC EPIDERMOLYSIS BULLOSA, AUTOSOMAL DOMINANT; Epidermolysis bullosa dystrophica, autosomal dominant. Identifiers: Orphanet 231568, MedGen C0432322, MONDO:0007549, OMIM 131750.
Epidermolysis bullosa pruriginosa, autosomal recessive. Identifiers: MedGen C1853063.
Epidermolysis bullosa dystrophica. Also called: Dystrophic epidermolysis bullosa, Hallopeau-Siemens type (formerly); Dystrophic epidermolysis bullosa. Identifiers: Orphanet 303, MedGen C0079294, MONDO:0006543.
Recessive dystrophic epidermolysis bullosa (RDEB). Also called: epidermolysis bullosa dystrophica, autosomal recessive; Recessive DEB (RDEB); DYSTROPHIC EPIDERMOLYSIS BULLOSA, AUTOSOMAL RECESSIVE; EPIDERMOLYSIS BULLOSA DYSTROPHICA, HALLOPEAU-SIEMENS TYPE; EPIDERMOLYSIS BULLOSA DYSTROPHICA, GENERALIZED SEVERE, AUTOSOMAL RECESSIVE; severe generalized recessive dystrophic epidermolysis bullosa. Identifiers: Orphanet 79408, Orphanet 79409, MedGen C0079474, MONDO:0009179, OMIM 226600.

Allele frequency attached by ClinVar (database versions not stated): gnomAD exomes below 0.00001; ExAC 0.00001; TOPMed 0.00001.
gnomAD v4.1: 3 of 1,612,564 alleles (0.00019%); highest among the groups gnomAD compares: Non-Finnish European, 0.00025%; no homozygotes.

Submissions (7):

PreventionGenetics, part of Exact Sciences
Classification: Likely pathogenic for COL7A1-related condition. Last evaluated: 2026-03-10. Review status: criteria provided, single submitter. Criteria: ACMG Guidelines, 2015. Collection method: clinical testing. Allele origin: germline.
Comment: The COL7A1 c.5532+1G>A variant is predicted to disrupt the GT donor site and interfere with normal splicing. This variant is alternatively referred to as IVS64+1G>A in the literature; and, it has been reported as a de novo occurrence and along with a paternally inherited variant in an individual with epidermolysis bullosa pruriginosa (Mellerio et al. 1999. PubMed ID: 10383749, same patient also reported in Shipman et al. 2014. PubMed ID: 24989707). Additional testing, revealed that the splice variant was present in the affected skin areas and absent from the unaffected skin cells, supporting somatic mosaicism (Shipman et al. 2014. PubMed ID: 24989707). This variant has not been reported in a large population database (gnomAD), indicating this variant is rare. An alternate nucleotide change affecting the same splice donor site, c.5532+1G>T, has also been reported in individuals with autosomal recessive dystrophic epidermolysis bullosa (Warshauer et al. 2021. PubMed ID: 34435747; Table S2, Natale et al. 2022. PubMed ID: 35979658). Variants that disrupt the consensus splice donor site in COL7A1 are expected to be pathogenic.  This variant is interpreted as likely pathogenic.

Genetics and Genomic Medicine Centre, NeuroGen Healthcare, NeuroGen Healthcare
Classification: Pathogenic for Generalized dominant dystrophic epidermolysis bullosa. Last evaluated: 2024-10-14. Review status: criteria provided, single submitter. Criteria: ACMG Guidelines, 2015. Collection method: clinical testing. Allele origin: unknown. Affected: no.

Natera, Inc.
Classification: Likely pathogenic for Dystrophic epidermolysis bullosa. Last evaluated: 2024-02-23. Review status: criteria provided, single submitter. Criteria: Natera Variant Classification Schema (03/2026). Collection method: clinical testing. Allele origin: germline.
Comment: The c.5532+1G>A variant in COL7A1 is a canonical splice donor site variant predicted to affect pre-mRNA splicing, which may result in an abnormal transcript and altered protein product. This variant may result in a truncated or dysfunctional protein product. This variant is rare in the general population with a frequency below the threshold expected for the associated phenotype(s). This variant has been observed in one or more individuals affected with the associated recessive disease, as either homozygous or compound heterozygous with a second variant (PMID: 29364557, 10504458, 24989707). Given the available evidence, this variant is classified as Likely Pathogenic.

GeneDx
Classification: Pathogenic. Last evaluated: 2022-11-23. Review status: criteria provided, single submitter. Criteria: GeneDx Variant Classification Process June 2021. Collection method: clinical testing. Allele origin: germline. Affected: yes.
Comment: Canonical splice site variant expected to result in aberrant splicing, although in the absence of functional evidence the actual effect of this sequence change is unknown.; Not observed at significant frequency in large population cohorts (gnomAD); This variant is associated with the following publications: (PMID: 31589614, 25525159, 12485454, 10504458, 18558993, 15115517, 10383749, 24989707)

Labcorp Genetics (formerly Invitae), Labcorp
Classification: Likely pathogenic. Last evaluated: 2022-05-24. Review status: criteria provided, single submitter. Criteria: Invitae Variant Classification Sherloc (09022015). Collection method: clinical testing. Allele origin: germline.
Comment: In summary, the currently available evidence indicates that the variant is pathogenic, but additional data are needed to prove that conclusively. Therefore, this variant has been classified as Likely Pathogenic. Algorithms developed to predict the effect of sequence changes on RNA splicing suggest that this variant may disrupt the consensus splice site. ClinVar contains an entry for this variant (Variation ID: 488825). Disruption of this splice site has been observed in individual(s) with clinical features of epidermolysis bullosa dystrophica (PMID: 10383749, 22209565). This variant is not present in population databases (gnomAD no frequency). This sequence change affects a donor splice site in intron 64 of the COL7A1 gene. It is expected to disrupt RNA splicing. Variants that disrupt the donor or acceptor splice site typically lead to a loss of protein function (PMID: 16199547), and loss-of-function variants in COL7A1 are known to be pathogenic (PMID: 16971478).

Undiagnosed Diseases Network, NIH
Classification: Pathogenic for Recessive dystrophic epidermolysis bullosa. Last evaluated: 2018-03-07. Review status: criteria provided, single submitter. Criteria: ACMG Guidelines, 2015. Collection method: clinical testing. Allele origin: unknown. Inheritance: Autosomal recessive inheritance. Affected: yes. Observed: 1 variant allele, 1 compound heterozygote. Study: Undiagnosed Diseases Network (NIH), UDN.

OMIM
Classification: Pathogenic for EPIDERMOLYSIS BULLOSA PRURIGINOSA, AUTOSOMAL RECESSIVE. Last evaluated: 1999-06-01. Review status: no assertion criteria provided. Collection method: literature only. Allele origin: germline. Not counted in ClinVar's aggregate classification.

Literature cited by the submitters: PubMed 29364557 (cited by Natera, Inc.); PubMed 10504458 (cited by Natera, Inc.); PubMed 24989707 (cited by Natera, Inc.); PubMed 10383749 (cited by Labcorp Genetics (formerly Invitae), Labcorp and OMIM); PubMed 22209565 (cited by Labcorp Genetics (formerly Invitae), Labcorp); PubMed 16199547 (cited by Labcorp Genetics (formerly Invitae), Labcorp); PubMed 16971478 (cited by Labcorp Genetics (formerly Invitae), Labcorp).